The following is an entry in ClinVar:

ClinVar aggregate classification (germline): Uncertain significance. Review status: criteria provided, multiple submitters, no conflicts (2 of 4 stars). 2 submissions from 2 submitters: Uncertain significance (2). Last evaluated 2025-09-27.

Conditions:
Agammaglobulinemia 4, autosomal recessive (AGM4). Also called: B cell linker protein deficiency; AGAMMAGLOBULINEMIA, AUTOSOMAL RECESSIVE, DUE TO BLNK DEFECT. Identifiers: MedGen C3150752, MONDO:0013289, OMIM 613502.
Inborn genetic diseases. Identifiers: MedGen C0950123, MeSH D030342.

Allele frequency attached by ClinVar (database versions not stated): gnomAD exomes below 0.00001; TOPMed below 0.00001; gnomAD 0.00001.
gnomAD v4.1: 3 of 1,613,906 alleles (0.00019%); highest among the groups gnomAD compares: Non-Finnish European, 0.00025%; no homozygotes.

Submissions (2):

Ambry Genetics
Classification: Uncertain significance for Inborn genetic diseases. Last evaluated: 2025-09-27. Review status: criteria provided, single submitter. Criteria: Ambry Variant Classification Scheme 2023. Collection method: clinical testing. Allele origin: germline.

Labcorp Genetics (formerly Invitae), Labcorp
Classification: Uncertain significance for Agammaglobulinemia 4, autosomal recessive. Last evaluated: 2023-11-01. Review status: criteria provided, single submitter. Criteria: Invitae Variant Classification Sherloc (09022015). Collection method: clinical testing. Allele origin: germline.
Comment: This sequence change replaces proline, which is neutral and non-polar, with leucine, which is neutral and non-polar, at codon 294 of the BLNK protein (p.Pro294Leu). This variant is present in population databases (no rsID available, gnomAD 0.0009%). This variant has not been reported in the literature in individuals affected with BLNK-related conditions. ClinVar contains an entry for this variant (Variation ID: 2063143). Advanced modeling of protein sequence and biophysical properties (such as structural, functional, and spatial information, amino acid conservation, physicochemical variation, residue mobility, and thermodynamic stability) performed at Invitae indicates that this missense variant is not expected to disrupt BLNK protein function with a negative predictive value of 80%. In summary, the available evidence is currently insufficient to determine the role of this variant in disease. Therefore, it has been classified as a Variant of Uncertain Significance.

NM_013314.4(BLNK):c.881C>T (p.Pro294Leu)

Genes: BLNK (B cell linker; minus strand), ZNF518A (zinc finger protein 518A; plus strand). Cytogenetic location: 10q24.1.
Variant type: single nucleotide variant.
Coding change: c.881C>T on transcript NM_013314.4 (MANE Select); coding-DNA position 881, C replaced by T.
Protein change: p.Pro294Leu; replaces proline 294 with leucine.
Molecular consequence: missense variant. On other transcripts: non-coding transcript variant (5).
Genome position (GRCh38, 1-based): chr10:96,204,553, G>A on the plus strand (C>T on the coding strand, the complement: BLNK is on the minus strand). VCF-style: chr10-96204553-G-A. GRCh37 (hg19) VCF-style: chr10-97964309-G-A.
Other names: c.812C>T, p.Pro271Leu (NM_001114094.2, NM_001258441.2); c.881C>T, p.Pro294Leu (NM_001258440.2); c.566C>T, p.Pro189Leu (NM_001258442.2); short protein forms P189L, P271L, P294L.
Identifiers: ClinVar variation 2063143 (VCV002063143.5), dbSNP rs1554896951, ClinGen allele CA377720166.
Genomic context (GRCh38, chr10:96,204,553, plus strand): 5'-AACAAGAGGAAACTGATCTTTAAAGGAAAGGATTCTTACTTCTGGGCAGGAGGAAACACT[G>A]GTGACTGCACAGCTTCTTGTCTGTGACTTGACCCTCGGTGGCGTTCAGCAGGTATAGGTT-3'
Protein context (NP_037446.1, residues 284-304): SSHRQEAVQS[Pro294Leu]VFPPAQKQIH